The following is an entry in ClinVar:

NM_000548.5(TSC2):c.2743-16G>A

Gene: TSC2 (TSC complex subunit 2; plus strand). Cytogenetic location: 16p13.3.
Variant type: single nucleotide variant.
Coding change: c.2743-16G>A on transcript NM_000548.5 (MANE Select); 16 bases into the intron before coding-DNA position 2743, G replaced by A.
Molecular consequence: intron variant.
Genome position (GRCh38, 1-based): chr16:2,076,475, G>A. VCF-style: chr16-2076475-G-A. GRCh37 (hg19) VCF-style: chr16-2126476-G-A.
Other names: c.2743-16G>A (NM_001114382.3, NM_021055.3, NM_001370405.1 and 3 more transcripts); c.2632-16G>A (NM_001318827.2); c.2143-16G>A (NM_001318831.2); c.2596-16G>A (NM_001318829.2); c.2776-16G>A (NM_001318832.2).
Identifiers: ClinVar variation 507120 (VCV000507120.9), dbSNP rs896016432, ClinGen allele CA276741996.

ClinVar aggregate classification (germline): Likely benign. Review status: criteria provided, multiple submitters, no conflicts (2 of 4 stars). 3 submissions from 3 submitters: Likely benign (3). Last evaluated 2025-12-01.

Conditions:
Tuberous sclerosis 2 (TSC2). Identifiers: Orphanet 805, MedGen C1860707, MONDO:0013199, OMIM 613254.

Allele frequency attached by ClinVar (database versions not stated): gnomAD exomes below 0.00001 and 0.00001; gnomAD 0.00001; TOPMed 0.00002.
gnomAD v4.1: 6 of 1,613,028 alleles (0.00037%); highest among the groups gnomAD compares: African/African-American, 0.004%; no homozygotes.

Submissions (3):

Labcorp Genetics (formerly Invitae), Labcorp
Classification: Likely benign for Tuberous sclerosis 2. Last evaluated: 2025-12-01. Review status: criteria provided, single submitter. Criteria: Invitae Variant Classification Sherloc (09022015). Collection method: clinical testing. Allele origin: germline.

Myriad Genetics, Inc.
Classification: Likely benign for Tuberous sclerosis 2. Last evaluated: 2025-05-22. Review status: criteria provided, single submitter. Criteria: Myriad Autosomal Dominant, Autosomal Recessive and X-Linked Classification Criteria (2023). Collection method: clinical testing. Allele origin: unknown.
Comment: This variant is considered likely benign. This variant is intronic and is not expected to impact mRNA splicing.

GeneDx
Classification: Likely benign. Last evaluated: 2017-01-25. Review status: criteria provided, single submitter. Criteria: GeneDx Variant Classification (06012015). Collection method: clinical testing. Allele origin: germline. Affected: yes.
Comment: This variant is considered likely benign or benign based on one or more of the following criteria: it is a conservative change, it occurs at a poorly conserved position in the protein, it is predicted to be benign by multiple in silico algorithms, and/or has population frequency not consistent with disease.